The following is an entry in ClinVar:

ClinVar aggregate classification (germline): Uncertain significance (1 of 4 stars; one submission).

Conditions:
Sulfite oxidase deficiency due to molybdenum cofactor deficiency type A. Also called: Molybdenum cofactor deficiency, complementation group A; Molybdenum Cofactor Deficiency A. Identifiers: Orphanet 308386, Orphanet 833, MedGen C1854988, MONDO:0009643, OMIM 252150.

Submission:

Labcorp Genetics (formerly Invitae), Labcorp
Classification: Uncertain significance for Sulfite oxidase deficiency due to molybdenum cofactor deficiency type A. Last evaluated: 2022-08-03. Review status: criteria provided, single submitter. Criteria: Invitae Variant Classification Sherloc (09022015). Collection method: clinical testing. Allele origin: germline.
Comment: This variant is not present in population databases (gnomAD no frequency). In summary, the available evidence is currently insufficient to determine the role of this variant in disease. Therefore, it has been classified as a Variant of Uncertain Significance. This variant has not been reported in the literature in individuals affected with MOCS1-related conditions. This sequence change falls in intron 10 of the MOCS1 gene. It does not directly change the encoded amino acid sequence of the MOCS1 protein.

NM_001358530.2(MOCS1):c.1150+19C>G

Gene: MOCS1 (molybdenum cofactor synthesis 1; minus strand). Cytogenetic location: 6p21.2.
Variant type: single nucleotide variant.
Coding change: c.1150+19C>G on transcript NM_001358530.2 (MANE Select); 19 bases into the intron after coding-DNA position 1150, C replaced by G.
Molecular consequence: intron variant.
Genome position (GRCh38, 1-based): chr6:39,909,036, G>C on the plus strand (C>G on the coding strand, the complement: MOCS1 is on the minus strand). VCF-style: chr6-39909036-G-C. GRCh37 (hg19) VCF-style: chr6-39876812-G-C.
Other names: c.889+19C>G (NM_001358531.2); c.*7+4C>G (NM_001358533.2, NM_001075098.4, NM_001358534.2 and 1 more transcripts); c.1102+799C>G (NM_001358529.2).
Identifiers: ClinVar variation 2006193 (VCV002006193.4), dbSNP rs757862301, ClinGen allele CA2580074490.
Genomic context (GRCh38, chr6:39,909,036, plus strand): 5'-GGTGCCTATGGCACGGCTCCCACCCCACGAGATCCCCAAATGACAAGGGTGAGTGGTTAC[G>C]TACTGATGGGTCACCCACCGATGAGGATCATGGGCCGGTTCTTCATCTGGGAAATACTGA-3'